The following is an entry in ClinVar:

NM_001876.4(CPT1A):c.2260C>T (p.Leu754=)

Gene: CPT1A (carnitine palmitoyltransferase 1A; minus strand). Cytogenetic location: 11q13.3.
Variant type: single nucleotide variant.
Coding change: c.2260C>T on transcript NM_001876.4 (MANE Select); coding-DNA position 2260, C replaced by T.
Protein change: p.Leu754=; no amino-acid change (leucine 754 retained).
Molecular consequence: synonymous variant. On other transcripts: intron variant (1).
Genome position (GRCh38, 1-based): chr11:68,757,706, G>A on the plus strand (C>T on the coding strand, the complement: CPT1A is on the minus strand). VCF-style: chr11-68757706-G-A. GRCh37 (hg19) VCF-style: chr11-68525174-G-A.
Other names: c.2235+1863C>T (NM_001031847.3).
Identifiers: ClinVar variation 509737 (VCV000509737.35), dbSNP rs144781827, ClinGen allele CA6152022.
Genomic context (GRCh38, chr11:68,757,706, plus strand): 5'-ACTTTTTGGAATTAGAACTGAGACCAAACAAAGTGATGATGTCAGTCATTGCTTCTTTCA[G>A]GTGCCTTCCAAAGCGATGAGAATCCTTTCATGTAAAAACAAAAACCAAAAACCTATTAAA-3'
Protein context (NP_001867.2, residues 744-764): ETDSHRFGRH[Leu754=]KEAMTDIITL

ClinVar aggregate classification (germline): Likely benign. Review status: criteria provided, multiple submitters, no conflicts (2 of 4 stars). 5 submissions from 5 submitters: Likely benign (5). Last evaluated 2026-02-02.

Conditions:
Carnitine palmitoyl transferase 1A deficiency. Also called: Carnitine palmitoyltransferase 1A deficiency; Carnitine palmitoyltransferase type I deficiency; CPT deficiency, hepatic, type IA; CPT I DEFICIENCY; CPT DEFICIENCY, HEPATIC, TYPE I. Identifiers: Orphanet 156, MedGen C1829703, MONDO:0009705, OMIM 255120.

Allele frequency attached by ClinVar (database versions not stated): 1000 Genomes Project 0.00020; 1000 Genomes Project 30x 0.00031; gnomAD 0.00041 and 0.00043; TOPMed 0.00045; ESP Exome Variant Server 0.00062.
gnomAD v4.1: 1,437 of 1,614,044 alleles (0.089%); highest among the groups gnomAD compares: Non-Finnish European, 0.12%; no homozygotes.

Submissions (5):

Labcorp Genetics (formerly Invitae), Labcorp
Classification: Likely benign for Carnitine palmitoyl transferase 1A deficiency. Last evaluated: 2026-02-02. Review status: criteria provided, single submitter. Criteria: Invitae Variant Classification Sherloc (09022015). Collection method: clinical testing. Allele origin: germline.

Blueprint Genetics
Classification: Likely benign. Last evaluated: 2024-10-23. Review status: criteria provided, single submitter. Criteria: ACMG Guidelines, 2015. Collection method: clinical testing. Allele origin: germline.

CeGaT Center for Human Genetics Tuebingen
Classification: Likely benign. Last evaluated: 2024-03-01. Review status: criteria provided, single submitter. Criteria: CeGaT Center For Human Genetics Tuebingen Variant Classification Criteria Version 2. Collection method: clinical testing. Allele origin: germline. Affected: yes. Observed: 1 variant allele.
Comment: CPT1A: BP4, BP7

GeneDx
Classification: Likely benign. Last evaluated: 2018-08-20. Review status: criteria provided, single submitter. Criteria: GeneDx Variant Classification Process June 2021. Collection method: clinical testing. Allele origin: germline. Affected: yes.

Breakthrough Genomics
Classification: Likely benign. Review status: criteria provided, single submitter. Criteria: ACMG Guidelines, 2015. Collection method: not provided. Allele origin: germline. Inheritance: Autosomal recessive inheritance. Affected: yes.